The following is an entry in ClinVar:

ClinVar aggregate classification (germline): Uncertain significance (1 of 4 stars; one submission).

Submission:

Labcorp Genetics (formerly Invitae), Labcorp
Classification: Uncertain significance. Last evaluated: 2025-09-25. Review status: criteria provided, single submitter. Criteria: Invitae Variant Classification Sherloc (09022015). Collection method: clinical testing. Allele origin: germline.
Comment: This variant, c.64_66dup, results in the insertion of 1 amino acid(s) of the FOXI3 protein (p.Ala22dup), but otherwise preserves the integrity of the reading frame. The frequency data for this variant in the population databases is considered unreliable, as metrics indicate insufficient coverage at this position in the gnomAD database. This variant has not been reported in the literature in individuals affected with FOXI3-related conditions. In summary, the available evidence is currently insufficient to determine the role of this variant in disease. Therefore, it has been classified as a Variant of Uncertain Significance.

NM_001135649.3(FOXI3):c.61GCC[3] (p.Ala22_Thr23insAla)

Gene: FOXI3 (forkhead box I3; minus strand). Cytogenetic location: 2p11.2.
Variant type: Microsatellite.
Coding change: c.61GCC[3] on transcript NM_001135649.3 (MANE Select); three copies in a row of the 3-base unit GCC starting at c.61; the reference has two copies in a row; one copy, 3 bases duplicated.
Protein change: p.Ala22_Thr23insAla.
Molecular consequence: inframe insertion.
Genome position (GRCh38, 1-based): chr2:88,452,470-88,452,472, GGC duplicated on the plus strand (GCC on the coding strand, the reverse complement: FOXI3 is on the minus strand); duplicating any 3 consecutive bases within chr2:88,452,470-88,452,477 gives the same sequence; the position shown is the placement nearest the transcript's 3' end. VCF-style (leftmost placement, unchanged base first): chr2-88452469-T-TGGC. GRCh37 (hg19) VCF-style: chr2-88751987-T-TGGC.
Identifiers: ClinVar variation 4725780 (VCV004725780.1).
Genomic context (GRCh38, chr2:88,452,469, plus strand): 5'-CGTAGTCGGCCAGCCCGTAAGGCGCCCTGGCTGCCGGGGGGGCGCCCGGGGCGGCGGCGG[T>TGGC]GGCGGCGGGCGGGGGCAGGCCGGGCTGCGAATACACTCCGAAGTTGTCGCCGCAGTAGAG-3'